The following is an entry in ClinVar:

ClinVar aggregate classification (germline): Benign (0 of 4 stars; one submission).

Conditions:
TEX14-related disorder. Also called: TEX14-related condition.

Allele frequency attached by ClinVar (database versions not stated): gnomAD exomes 0.17991; ExAC 0.21769; ESP Exome Variant Server 0.22167; TOPMed 0.22360; gnomAD 0.22680; 1000 Genomes Project 30x 0.27420; 1000 Genomes Project 0.27656.
gnomAD v4.1: 280,959 of 1,514,400 alleles (19%); highest among the groups gnomAD compares: South Asian, 31%; 28,430 homozygotes.

Submission:

PreventionGenetics, part of Exact Sciences
Classification: Benign for TEX14-related condition. Last evaluated: 2019-11-08. Review status: no assertion criteria provided. Collection method: clinical testing. Allele origin: germline.
Comment: This variant is classified as benign based on ACMG/AMP sequence variant interpretation guidelines (Richards et al. 2015 PMID: 25741868, with internal and published modifications).

NM_031272.5(TEX14):c.4173A>G (p.Lys1391=)

Gene: TEX14 (testis expressed 14, intercellular bridge forming factor; minus strand). Cytogenetic location: 17q22.
Variant type: single nucleotide variant.
Coding change: c.4173A>G on transcript NM_031272.5 (MANE Select); coding-DNA position 4173, A replaced by G.
Protein change: p.Lys1391=; no amino-acid change (lysine 1391 retained).
Molecular consequence: synonymous variant.
Genome position (GRCh38, 1-based): chr17:58,559,547, T>C on the plus strand (A>G on the coding strand, the complement: TEX14 is on the minus strand). VCF-style: chr17-58559547-T-C. GRCh37 (hg19) VCF-style: chr17-56636908-T-C.
Other names: c.4311A>G, p.Lys1437= (NM_001201457.2); c.4293A>G, p.Lys1431= (NM_198393.4).
Identifiers: ClinVar variation 3059694 (VCV003059694.2), dbSNP rs9903050, ClinGen allele CA8675497.